The following is an entry in ClinVar:

NM_013432.5(TONSL):c.3584C>G (p.Ser1195Cys)

Gene: TONSL (tonsoku like, DNA repair protein; minus strand). Cytogenetic location: 8q24.3.
Variant type: single nucleotide variant.
Coding change: c.3584C>G on transcript NM_013432.5 (MANE Select); coding-DNA position 3584, C replaced by G.
Protein change: p.Ser1195Cys; replaces serine 1195 with cysteine.
Molecular consequence: missense variant.
Genome position (GRCh38, 1-based): chr8:144,432,436, G>C on the plus strand (C>G on the coding strand, the complement: TONSL is on the minus strand). VCF-style: chr8-144432436-G-C. GRCh37 (hg19) VCF-style: chr8-145657819-G-C.
Other names: short protein forms S1195C.
Identifiers: ClinVar variation 1439309 (VCV001439309.4), dbSNP rs782693526, ClinGen allele CA4942445.

ClinVar aggregate classification (germline): Uncertain significance (1 of 4 stars; one submission).

Allele frequency attached by ClinVar (database versions not stated): gnomAD 0.00003; TOPMed 0.00003; ExAC 0.00006; gnomAD exomes 0.00006.
gnomAD v4.1: 17 of 1,573,982 alleles (0.0011%); highest among the groups gnomAD compares: Admixed American, 0.032%; no homozygotes.

Submission:

Labcorp Genetics (formerly Invitae), Labcorp
Classification: Uncertain significance. Last evaluated: 2025-10-14. Review status: criteria provided, single submitter. Criteria: Invitae Variant Classification Sherloc (09022015). Collection method: clinical testing. Allele origin: germline.
Comment: This sequence change replaces serine, which is neutral and polar, with cysteine, which is neutral and slightly polar, at codon 1195 of the TONSL protein (p.Ser1195Cys). This variant is present in population databases (rs782693526, gnomAD 0.05%). This variant has not been reported in the literature in individuals affected with TONSL-related conditions. ClinVar contains an entry for this variant (Variation ID: 1439309). Invitae Evidence Modeling of protein sequence and biophysical properties (such as structural, functional, and spatial information, amino acid conservation, physicochemical variation, residue mobility, and thermodynamic stability) indicates that this missense variant is not expected to disrupt TONSL protein function with a negative predictive value of 80%. In summary, the available evidence is currently insufficient to determine the role of this variant in disease. Therefore, it has been classified as a Variant of Uncertain Significance.